The following is an entry in ClinVar:

NM_000059.4(BRCA2):c.4658del (p.Thr1553fs)

Gene: BRCA2 (BRCA2 DNA repair associated; plus strand). Cytogenetic location: 13q13.1.
Variant type: Deletion.
Coding change: c.4658del on transcript NM_000059.4 (MANE Select); coding-DNA position 4658, one base deleted (C; older notation c.4658delC).
Protein change: p.Thr1553fs; shifts the reading frame from threonine 1553.
Molecular consequence: frameshift variant. On other transcripts: non-coding transcript variant (1), intron variant (2).
Genome position (GRCh38, 1-based): chr13:32,339,013, C deleted. VCF-style (leftmost placement, unchanged base first): chr13-32339012-AC-A. GRCh37 (hg19) VCF-style: chr13-32913149-AC-A.
Other names: c.4658del, p.Thr1553fs (NM_001406719.1, NM_001406720.1, NM_001432077.1); c.1910-5545del (NM_001406721.1); c.425-5545del (NM_001406722.1); short protein forms T1553fs.
Identifiers: ClinVar variation 4876161 (VCV004876161.1).

ClinVar aggregate classification (germline): Pathogenic (1 of 4 stars; one submission).

Conditions:
Breast-ovarian cancer, familial, susceptibility to, 2 (BROVCA2). Also called: BRCA2 Hereditary Breast and Ovarian Cancer. Identifiers: Orphanet 145, MedGen C2675520, MONDO:0012933, OMIM 612555. Disease mechanism: loss of function.

Submission:

Myriad Genetics, Inc.
Classification: Pathogenic for Breast-ovarian cancer, familial, susceptibility to, 2. Last evaluated: 2026-06-30. Review status: criteria provided, single submitter. Criteria: Myriad Autosomal Dominant, Autosomal Recessive and X-Linked Classification Criteria (2023). Collection method: clinical testing. Allele origin: unknown.
Comment: This variant is considered pathogenic. This variant creates a frameshift predicted to result in premature protein truncation.